The following is an entry in ClinVar:

NM_000318.3(PEX2):c.550del (p.Cys184fs)

Gene: PEX2 (peroxisomal biogenesis factor 2; minus strand). Cytogenetic location: 8q21.13.
Variant type: Deletion.
Coding change: c.550del on transcript NM_000318.3 (MANE Select); coding-DNA position 550, one base deleted (T; older notation c.550delT).
Protein change: p.Cys184fs; shifts the reading frame from cysteine 184.
Molecular consequence: frameshift variant.
Genome position (GRCh38, 1-based): chr8:76,983,629, A deleted on the plus strand (T on the coding strand, the reverse complement: PEX2 is on the minus strand). VCF-style (leftmost placement, unchanged base first): chr8-76983628-CA-C. GRCh37 (hg19) VCF-style: chr8-77895864-CA-C.
Other names: c.550del, p.Cys184fs (NM_001079867.2, NM_001172086.2, NM_001172087.2); short protein forms C184fs.
Identifiers: ClinVar variation 641647 (VCV000641647.14), dbSNP rs63545361, ClinGen allele CA179988266.
Genomic context (GRCh38, chr8:76,983,628, plus strand): 5'-AGAAATTCAGCAAAACCATGCCAGAGAAGTTCCCTATTCATGTATTCAAAGCCAACTTCA[CA>C]TATGTTTTGAGGCTTGCAAAATACAGAATGAATACCTAGGAGACGTTCTGTCAAAGTTGC-3'

ClinVar aggregate classification (germline): Pathogenic/Likely pathogenic. Review status: criteria provided, multiple submitters, no conflicts (2 of 4 stars). 4 submissions from 4 submitters: Pathogenic (3); Likely pathogenic (1). Last evaluated 2025-02-25.

Conditions:
Zellweger spectrum disorders (ZS). Also called: Zellweger Spectrum; Zellweger syndrome; Zellweger Spectrum Disorder (ZSD); Zellweger Spectrum Disorder. Identifiers: Orphanet 912, MedGen C0043459, MONDO:0019609.
PEX2-related disorder. Also called: PEX2-related condition.
Peroxisome biogenesis disorder 5A (Zellweger) (PBD5A). Identifiers: Orphanet 912, MedGen C3553940, MONDO:0013932, OMIM 614866.

Allele frequency attached by ClinVar (database versions not stated): gnomAD exomes below 0.00001.

Submissions (4):

Natera, Inc.
Classification: Pathogenic for Zellweger syndrome. Last evaluated: 2025-02-25. Review status: criteria provided, single submitter. Criteria: Natera Variant Classification Schema (03/2026). Collection method: clinical testing. Allele origin: germline.
Comment: The c.550del variant in PEX2 is a frameshift variant predicted to shift the reading frame beginning at codon 184 and leads to a stop codon 8 codons downstream. This variant is expected to result in nonsense mediated decay, truncation, or a dysfunctional protein product. This variant is rare in the general population with a frequency below the threshold expected for the associated phenotype(s). This variant has been observed in one or more individuals affected with the associated recessive disease, as either homozygous or compound heterozygous with a second variant (PMID: 35229910, 10652207). Functional studies show that this variant may disrupt protein function (PMID: 10652207). Given the available evidence, this variant is classified as Pathogenic.

Blueprint Genetics
Classification: Likely pathogenic for PEX2-related disorders. Last evaluated: 2023-10-09. Review status: criteria provided, single submitter. Criteria: ACMG Guidelines, 2015. Collection method: clinical testing. Allele origin: germline. Affected: yes. Observed: 2 variant alleles.

Labcorp Genetics (formerly Invitae), Labcorp
Classification: Pathogenic for Peroxisome biogenesis disorder 5A (Zellweger). Last evaluated: 2022-05-06. Review status: criteria provided, single submitter. Criteria: Invitae Variant Classification Sherloc (09022015). Collection method: clinical testing. Allele origin: germline.
Comment: This variant is not present in population databases (gnomAD no frequency). This sequence change creates a premature translational stop signal (p.Arg184Valfs*8) in the PEX2 gene. While this is not anticipated to result in nonsense mediated decay, it is expected to disrupt the last 122 amino acid(s) of the PEX2 protein. This premature translational stop signal has been observed in individual(s) with peroxisomal biogenesis disorder (PBD) (PMID: 10652207). Algorithms developed to predict the effect of variants on protein structure and function are not available or were not evaluated for this variant. Experimental studies have shown that this premature translational stop signal affects PEX2 function (PMID: 10652207). This variant disrupts the C-terminus of the PEX2 protein. Other variant(s) that disrupt this region (p.Trp223*, p.Phe278Leufs*3) have been observed in individuals with PEX2-related conditions (PMID: 14630978, 17041890). This suggests that this may be a clinically significant region of the protein. For these reasons, this variant has been classified as Pathogenic.

Genetics Institute, Tel Aviv Sourasky Medical Center
Classification: Pathogenic for Zellweger spectrum disorders. Last evaluated: 2021-05-12. Review status: criteria provided, single submitter. Criteria: ACMG Guidelines, 2015. Collection method: clinical testing. Allele origin: inherited. Inheritance: Autosomal recessive inheritance.

Literature cited by the submitters: PubMed 35229910 (cited by Natera, Inc.); PubMed 10652207 (cited by Natera, Inc. and Labcorp Genetics (formerly Invitae), Labcorp); PubMed 14630978 (cited by Labcorp Genetics (formerly Invitae), Labcorp); PubMed 17041890 (cited by Labcorp Genetics (formerly Invitae), Labcorp).